The following is an entry in ClinVar:

NM_000642.3(AGL):c.2537T>C (p.Ile846Thr)

Gene: AGL (amylo-alpha-1,6-glucosidase and 4-alpha-glucanotransferase; plus strand). Cytogenetic location: 1p21.2.
Variant type: single nucleotide variant.
Coding change: c.2537T>C on transcript NM_000642.3 (MANE Select); coding-DNA position 2537, T replaced by C.
Protein change: p.Ile846Thr; replaces isoleucine 846 with threonine.
Molecular consequence: missense variant.
Genome position (GRCh38, 1-based): chr1:99,884,442, T>C. VCF-style: chr1-99884442-T-C. GRCh37 (hg19) VCF-style: chr1-100349998-T-C.
Other names: c.2537T>C, p.Ile846Thr (NM_000028.3, NM_000643.3, NM_000644.3 and 2 more transcripts); c.2489T>C, p.Ile830Thr (NM_000646.3); c.2336T>C, p.Ile779Thr (NM_001425327.1); c.2333T>C, p.Ile778Thr (NM_001425328.1, NM_001425329.1); c.2159T>C, p.Ile720Thr (NM_001425332.1); short protein forms I830T, I846T, I720T, I778T, I779T.
Identifiers: ClinVar variation 846587 (VCV000846587.13), dbSNP rs1570451577, ClinGen allele CA341321423.

ClinVar aggregate classification (germline): Uncertain significance. Review status: criteria provided, single submitter (1 of 4 stars). 2 submissions from 2 submitters: Uncertain significance (1). 1 of the submissions does not count toward it. Last evaluated 2024-07-23.

Conditions:
Glycogen storage disease type III (GSD3). Also called: FORBES DISEASE; Cori disease. Identifiers: Orphanet 366, MedGen C0017922, MONDO:0009291, OMIM 232400.

Allele frequency attached by ClinVar (database versions not stated): gnomAD exomes below 0.00001.
gnomAD v4.1: 2 of 1,610,578 alleles (0.00012%); highest among the groups gnomAD compares: Non-Finnish European, 0.00017%; no homozygotes.

Submissions (2):

Labcorp Genetics (formerly Invitae), Labcorp
Classification: Uncertain significance for Glycogen storage disease type III. Last evaluated: 2024-07-23. Review status: criteria provided, single submitter. Criteria: Invitae Variant Classification Sherloc (09022015). Collection method: clinical testing. Allele origin: germline.
Comment: This sequence change replaces isoleucine, which is neutral and non-polar, with threonine, which is neutral and polar, at codon 846 of the AGL protein (p.Ile846Thr). This variant is not present in population databases (gnomAD no frequency). This variant has not been reported in the literature in individuals affected with AGL-related conditions. ClinVar contains an entry for this variant (Variation ID: 846587). Advanced modeling of protein sequence and biophysical properties (such as structural, functional, and spatial information, amino acid conservation, physicochemical variation, residue mobility, and thermodynamic stability) performed at Invitae indicates that this missense variant is expected to disrupt AGL protein function with a positive predictive value of 80%. In summary, the available evidence is currently insufficient to determine the role of this variant in disease. Therefore, it has been classified as a Variant of Uncertain Significance.

Natera, Inc.
Classification: Uncertain significance for Glycogen storage disease type III. Last evaluated: 2021-05-28. Review status: no assertion criteria provided. Collection method: clinical testing. Allele origin: germline. Not counted in ClinVar's aggregate classification.